The following is an entry in ClinVar:

NM_001082971.2(DDC):c.455C>A (p.Thr152Asn)

Gene: DDC (dopa decarboxylase; minus strand). Cytogenetic location: 7p12.1.
Variant type: single nucleotide variant.
Coding change: c.455C>A on transcript NM_001082971.2 (MANE Select); coding-DNA position 455, C replaced by A.
Protein change: p.Thr152Asn; replaces threonine 152 with asparagine.
Molecular consequence: missense variant. On other transcripts: intron variant (1).
Genome position (GRCh38, 1-based): chr7:50,529,323, G>T on the plus strand (C>A on the coding strand, the complement: DDC is on the minus strand). VCF-style: chr7-50529323-G-T. GRCh37 (hg19) VCF-style: chr7-50597021-G-T.
Other names: c.455C>A, p.Thr152Asn (NM_000790.4, NM_001242887.2, NM_001242890.2); c.341C>A, p.Thr114Asn (NM_001242886.2); c.221C>A, p.Thr74Asn (NM_001242888.2); c.435+8537C>A (NM_001242889.2); short protein forms T152N, T74N, T114N.
Identifiers: ClinVar variation 422322 (VCV000422322.8), dbSNP rs571159150, ClinGen allele CA4262364.
Genomic context (GRCh38, chr7:50,529,323, plus strand): 5'-GGGGACGCTGCCTGCAGCCGATGGATCACTTTGGTCCGAGCGGCCAGCAGGGCCACCAGG[G>T]TGGCTTCACTGGCACTTCCCTAAATTCAAGAGAAGGTCCAAATGAAATCCCAAACATAGC-3'
Protein context (NP_001076440.2, residues 142-162): GVIQGSASEA[Thr152Asn]LVALLAARTK

ClinVar aggregate classification (germline): Uncertain significance. Review status: criteria provided, multiple submitters, no conflicts (2 of 4 stars). 3 submissions from 3 submitters: Uncertain significance (3). Last evaluated 2022-06-28.

Conditions:
Inborn genetic diseases. Identifiers: MedGen C0950123, MeSH D030342.
Deficiency of aromatic-L-amino-acid decarboxylase. Also called: Aromatic amino acid decarboxylase deficiency; AADC DEFICIENCY; DDC DEFICIENCY; DOPA DECARBOXYLASE DEFICIENCY; Aromatic L-Amino Acid Decarboxylase Deficiency. Identifiers: Orphanet 35708, MedGen C1291564, MONDO:0012084, OMIM 608643.

Allele frequency attached by ClinVar (database versions not stated): gnomAD below 0.00001 and 0.00005; TOPMed below 0.00001; gnomAD exomes 0.00005 and 0.00013; 1000 Genomes Project 30x 0.00016; ExAC 0.00017; 1000 Genomes Project 0.00020.

Submissions (3):

Ambry Genetics
Classification: Uncertain significance for Inborn genetic diseases. Last evaluated: 2022-06-28. Review status: criteria provided, single submitter. Criteria: Ambry Variant Classification Scheme 2023. Collection method: clinical testing. Allele origin: germline.

Labcorp Genetics (formerly Invitae), Labcorp
Classification: Uncertain significance for Deficiency of aromatic-L-amino-acid decarboxylase. Last evaluated: 2022-01-05. Review status: criteria provided, single submitter. Criteria: Invitae Variant Classification Sherloc (09022015). Collection method: clinical testing. Allele origin: germline.
Comment: This sequence change replaces threonine, which is neutral and polar, with asparagine, which is neutral and polar, at codon 152 of the DDC protein (p.Thr152Asn). This variant is present in population databases (rs571159150, gnomAD 0.1%), including at least one homozygous and/or hemizygous individual. This variant has not been reported in the literature in individuals affected with DDC-related conditions. ClinVar contains an entry for this variant (Variation ID: 422322). Algorithms developed to predict the effect of missense changes on protein structure and function (SIFT, PolyPhen-2, Align-GVGD) all suggest that this variant is likely to be disruptive. In summary, the available evidence is currently insufficient to determine the role of this variant in disease. Therefore, it has been classified as a Variant of Uncertain Significance.

GeneDx
Classification: Uncertain significance. Last evaluated: 2019-05-31. Review status: criteria provided, single submitter. Criteria: GeneDx Variant Classification Process June 2021. Collection method: clinical testing. Allele origin: germline. Affected: yes.
Comment: In silico analysis, which includes protein predictors and evolutionary conservation, supports a deleterious effect; Has not been previously published as pathogenic or benign to our knowledge